The following is an entry in ClinVar:

ClinVar aggregate classification (germline): Uncertain significance (1 of 4 stars; one submission).

Allele frequency attached by ClinVar (database versions not stated): gnomAD exomes below 0.00001.

Submission:

Labcorp Genetics (formerly Invitae), Labcorp
Classification: Uncertain significance. Last evaluated: 2025-05-12. Review status: criteria provided, single submitter. Criteria: Invitae Variant Classification Sherloc (09022015). Collection method: clinical testing. Allele origin: germline.
Comment: This sequence change replaces methionine, which is neutral and non-polar, with isoleucine, which is neutral and non-polar, at codon 1172 of the MPDZ protein (p.Met1172Ile). This variant is not present in population databases (gnomAD no frequency). This variant has not been reported in the literature in individuals affected with MPDZ-related conditions. ClinVar contains an entry for this variant (Variation ID: 1505972). An algorithm developed to predict the effect of missense changes on protein structure and function (PolyPhen-2) suggests that this variant is likely to be tolerated. In summary, the available evidence is currently insufficient to determine the role of this variant in disease. Therefore, it has been classified as a Variant of Uncertain Significance.

NM_001378778.1(MPDZ):c.3516G>A (p.Met1172Ile)

Gene: MPDZ (multiple PDZ domain crumbs cell polarity complex component; minus strand). Cytogenetic location: 9p23.
Variant type: single nucleotide variant.
Coding change: c.3516G>A on transcript NM_001378778.1 (MANE Select); coding-DNA position 3516, G replaced by A.
Protein change: p.Met1172Ile; replaces methionine 1172 with isoleucine.
Molecular consequence: missense variant.
Genome position (GRCh38, 1-based): chr9:13,150,625, C>T on the plus strand (G>A on the coding strand, the complement: MPDZ is on the minus strand). VCF-style: chr9-13150625-C-T. GRCh37 (hg19) VCF-style: chr9-13150624-C-T.
Other names: c.3516G>A, p.Met1172Ile (NM_001261406.2, NM_001261407.2, NM_001330637.2 and 13 more transcripts); c.3318G>A, p.Met1106Ile (NM_001375427.1); short protein forms M1172I, M1106I.
Identifiers: ClinVar variation 1505972 (VCV001505972.8), dbSNP rs1949037115, ClinGen allele CA372951125.
Genomic context (GRCh38, chr9:13,150,625, plus strand): 5'-TTCCAGAACATGTTTGATGAAAATGCCCCTCATCACTTCTCCATTGCTTAGCCGACTCCC[C>T]ATCCCTCGTCCACCAACAATGCTGATGCCTAAGGATTTGCTTGGTTCTCTCCAGAGTTCC-3'
Protein context (NP_001365707.1, residues 1162-1182): LGISIVGGRG[Met1172Ile]GSRLSNGEVM